The following is an entry in ClinVar:

NM_003073.5(SMARCB1):c.94-5C>T

Gene: SMARCB1 (SWI/SNF related BAF chromatin remodeling complex subunit B1; plus strand). Cytogenetic location: 22q11.23.
Variant type: single nucleotide variant.
Coding change: c.94-5C>T on transcript NM_003073.5 (MANE Select); 5 bases into the intron before coding-DNA position 94, C replaced by T.
Molecular consequence: intron variant.
Genome position (GRCh38, 1-based): chr22:23,791,751, C>T. VCF-style: chr22-23791751-C-T. GRCh37 (hg19) VCF-style: chr22-24133938-C-T.
Other names: c.94-5C>T (NM_001362877.2, NM_001317946.2, NM_001007468.3).
Identifiers: ClinVar variation 4170227 (VCV004170227.1).
Genomic context (GRCh38, chr22:23,791,751, plus strand): 5'-CCAGGACCCTCCCCTTCCCTGTGGTGCTGCGACCCTTATAATGAGCCTTCTTGCTTTACT[C>T]ATAGGTGGGAAACTACCTCCGTATGTTCCGAGGTTCTCTGTACAAGAGATACCCCTCACT-3'

ClinVar aggregate classification (germline): Uncertain significance (1 of 4 stars; one submission).

Conditions:
Hereditary cancer-predisposing syndrome. Also called: Neoplastic Syndromes, Hereditary; Tumor predisposition; Hereditary Cancer Syndrome; Hereditary neoplastic syndrome. Identifiers: Orphanet 140162, MedGen C0027672, MeSH D009386, MONDO:0015356.

gnomAD v4.1: 2 of 1,613,814 alleles (0.00012%); highest among the groups gnomAD compares: Non-Finnish European, 0.00017%; no homozygotes.

Submission:

Ambry Genetics
Classification: Uncertain significance for Hereditary cancer-predisposing syndrome. Last evaluated: 2025-06-16. Review status: criteria provided, single submitter. Criteria: Ambry Variant Classification Scheme 2023. Collection method: clinical testing. Allele origin: germline.
Comment: The c.94-5C>T intronic variant results from a C to T substitution 5 nucleotides upstream from coding exon 2 in the SMARCB1 gene. This nucleotide position is not well conserved in available vertebrate species. In silico splice site analysis predicts that this alteration will not have any significant effect on splicing. Based on the available evidence, the clinical significance of this variant remains unclear.